The following is an entry in ClinVar:

ClinVar aggregate classification (germline): Likely benign. Review status: criteria provided, multiple submitters, no conflicts (2 of 4 stars). 2 submissions from 2 submitters: Likely benign (2). Last evaluated 2026-01-22.

Conditions:
AHI1-related disorder. Also called: AHI1-related condition.
Joubert syndrome. Also called: Familial aplasia of the vermis; JOUBERT-BOLTSHAUSER SYNDROME. Identifiers: Orphanet 475, MedGen C5979921, MONDO:0018772.

Allele frequency attached by ClinVar (database versions not stated): gnomAD exomes 0.00002; ExAC 0.00003; gnomAD 0.00003 and 0.00004; TOPMed 0.00004.
gnomAD v4.1: 36 of 1,610,792 alleles (0.0022%); highest among the groups gnomAD compares: Non-Finnish European, 0.0028%; no homozygotes.

Submissions (2):

Labcorp Genetics (formerly Invitae), Labcorp
Classification: Likely benign for Joubert syndrome. Last evaluated: 2026-01-22. Review status: criteria provided, single submitter. Criteria: Invitae Variant Classification Sherloc (09022015). Collection method: clinical testing. Allele origin: germline.

PreventionGenetics, part of Exact Sciences
Classification: Likely benign for AHI1-related condition. Last evaluated: 2025-12-05. Review status: criteria provided, single submitter. Criteria: ACMG Guidelines, 2015. Collection method: clinical testing. Allele origin: germline.
Comment: This variant is classified as likely benign based on ACMG/AMP sequence variant interpretation guidelines (Richards et al. 2015 PMID: 25741868, with internal and published modifications).

NM_001134831.2(AHI1):c.609G>A (p.Glu203=)

Gene: AHI1 (Abelson helper integration site 1; minus strand). Cytogenetic location: 6q23.3.
Variant type: single nucleotide variant.
Coding change: c.609G>A on transcript NM_001134831.2 (MANE Select); coding-DNA position 609, G replaced by A.
Protein change: p.Glu203=; no amino-acid change (glutamic acid 203 retained).
Molecular consequence: synonymous variant.
Genome position (GRCh38, 1-based): chr6:135,465,954, C>T on the plus strand (G>A on the coding strand, the complement: AHI1 is on the minus strand). VCF-style: chr6-135465954-C-T. GRCh37 (hg19) VCF-style: chr6-135787092-C-T.
Other names: c.609G>A, p.Glu203= (NM_001134830.2, NM_001134832.2, NM_001350503.2 and 2 more transcripts); c.609G>A (NM_017651.4).
Identifiers: ClinVar variation 1560505 (VCV001560505.9), dbSNP rs748009598, ClinGen allele CA4012799.
Genomic context (GRCh38, chr6:135,465,954, plus strand): 5'-AGTATCTGAGGGAAAGTAAGTCAACTGTTCTTTCAGTTTCTTTCTTATTTTCCTCTTAAT[C>T]TCCTTTGCCATTTCTTCAGTTACATGGCACTGATATGCTTGCATCAATTCTTCATCCTCT-3'
Protein context (NP_001128303.1, residues 193-213): QCHVTEEMAK[Glu203=]IKRKIRKKLK